The following is an entry in ClinVar:

Single allele

Gene: DMD (dystrophin; minus strand). Cytogenetic location: Xp21.1.
Variant type: Deletion.
Identifiers: ClinVar variation 1256406 (VCV001256406.2).

ClinVar aggregate classification (germline): Pathogenic (1 of 4 stars; one submission).

Submission:

Athena Diagnostics
Classification: Pathogenic. Last evaluated: 2022-06-29. Review status: criteria provided, single submitter. Criteria: Athena Diagnostics Criteria. Collection method: clinical testing. Allele origin: unknown.
Comment: This variant is expected to result in the loss of a functional protein. Multiple unrelated males with Duchenne muscular dystrophy (DMD) have been reported with similar deletions of exons 50-52. This variant has not been reported in large, multi-ethnic general populations. (Genome Aggregation Database (gnomAD), Cambridge, MA (URL)).

Literature cited by the submitters: PubMed 11412872; PubMed 17259292; PubMed 19937601; PubMed 15723292; PubMed 18353051; PubMed 18752307; PubMed 23914114; PubMed 9028449; PubMed 24236769; PubMed 15845029; PubMed 1684565; PubMed 2585468; PubMed 17253928; PubMed 24099565; PubMed 19367636; PubMed 31443951; PubMed 29847600; PubMed 31705731; PubMed 25972034; PubMed 28610567; PubMed 23588064; PubMed 17854090; PubMed 31404137.